The following is an entry in ClinVar:

NM_207037.2(TCF12):c.1315C>T (p.Arg439Trp)

Gene: TCF12 (transcription factor 12; plus strand). Cytogenetic location: 15q21.3.
Variant type: single nucleotide variant.
Coding change: c.1315C>T on transcript NM_207037.2 (MANE Select); coding-DNA position 1315, C replaced by T.
Protein change: p.Arg439Trp; replaces arginine 439 with tryptophan.
Molecular consequence: missense variant.
Genome position (GRCh38, 1-based): chr15:57,253,316, C>T. VCF-style: chr15-57253316-C-T. GRCh37 (hg19) VCF-style: chr15-57545514-C-T.
Other names: c.805C>T, p.Arg269Trp (NM_001306219.3); c.535C>T, p.Arg179Trp (NM_001306220.3); c.1315C>T, p.Arg439Trp (NM_001322151.2, NM_001322152.2, NM_001322159.3 and 2 more transcripts); c.658C>T, p.Arg220Trp (NM_001322154.2); c.1141C>T, p.Arg381Trp (NM_001322156.2); c.1243C>T, p.Arg415Trp (NM_001322157.3, NM_001322165.2, NM_003205.4 and 1 more transcripts); c.1069C>T, p.Arg357Trp (NM_001322158.2); c.1312C>T, p.Arg438Trp (NM_001322161.2); and 2 more; short protein forms R179W, R220W, R245W, R269W, R357W, R381W, R415W, R427W.
Identifiers: ClinVar variation 1308147 (VCV001308147.2), dbSNP rs771571672, ClinGen allele CA7581232.

ClinVar aggregate classification (germline): Uncertain significance (1 of 4 stars; one submission).

Allele frequency attached by ClinVar (database versions not stated): gnomAD 0.00001; gnomAD exomes 0.00001; ExAC 0.00002.
gnomAD v4.1: 16 of 1,613,830 alleles (0.00099%); highest among the groups gnomAD compares: Middle Eastern, 0.016%; no homozygotes.

Submission:

GeneDx
Classification: Uncertain significance. Last evaluated: 2019-08-23. Review status: criteria provided, single submitter. Criteria: GeneDx Variant Classification Process June 2021. Collection method: clinical testing. Allele origin: germline. Affected: yes.
Comment: In silico analysis, which includes protein predictors and evolutionary conservation, supports a deleterious effect; Has not been previously published as pathogenic or benign to our knowledge